The following is an entry in ClinVar:

ClinVar aggregate classification (germline): Uncertain significance (1 of 4 stars; one submission).

Conditions:
Autosomal recessive severe congenital neutropenia due to CSF3R deficiency. Also called: Neutropenia, severe congenital, 7, autosomal recessive. Identifiers: Orphanet 420702, MedGen C4310764, MONDO:0014865, OMIM 617014.

Submission:

Labcorp Genetics (formerly Invitae), Labcorp
Classification: Uncertain significance for Autosomal recessive severe congenital neutropenia due to CSF3R deficiency. Last evaluated: 2022-09-19. Review status: criteria provided, single submitter. Criteria: Invitae Variant Classification Sherloc (09022015). Collection method: clinical testing. Allele origin: germline.
Comment: ClinVar contains an entry for this variant (Variation ID: 1498193). This variant has not been reported in the literature in individuals affected with CSF3R-related conditions. This variant is present in population databases (no rsID available, gnomAD 0.0009%). This sequence change creates a premature translational stop signal (p.Glu680Glyfs*23) in the CSF3R gene. While this is not anticipated to result in nonsense mediated decay, it is expected to disrupt the last 157 amino acid(s) of the CSF3R protein. Variants that disrupt the consensus splice site are a relatively common cause of aberrant splicing (PMID: 17576681, 9536098). Algorithms developed to predict the effect of sequence changes on RNA splicing suggest that this variant may disrupt the consensus splice site. In summary, the available evidence is currently insufficient to determine the role of this variant in disease. Therefore, it has been classified as a Variant of Uncertain Significance.

Literature cited by the submitters: PubMed 17576681; PubMed 9536098.

NM_000760.4(CSF3R):c.2039_2040del (p.Glu680fs)

Gene: CSF3R (colony stimulating factor 3 receptor; minus strand). Cytogenetic location: 1p34.3.
Variant type: Deletion.
Coding change: c.2039_2040del on transcript NM_000760.4 (MANE Select); coding-DNA positions 2039 to 2040, 2 bases deleted (AG; older notation c.2039_2040delAG).
Protein change: p.Glu680fs; shifts the reading frame from glutamic acid 680.
Molecular consequence: frameshift variant.
Genome position (GRCh38, 1-based): chr1:36,467,230-36,467,231, CT deleted on the plus strand (AG on the coding strand, the reverse complement: CSF3R is on the minus strand); deleting any 2 consecutive bases within chr1:36,467,230-36,467,232 gives the same sequence; the c. name uses the placement nearest the transcript's 3' end. VCF-style (leftmost placement, unchanged base first): chr1-36467229-CCT-C. GRCh37 (hg19) VCF-style: chr1-36932830-CCT-C.
Other names: c.2039_2040del, p.Glu680fs (NM_156039.3, NM_172313.3); short protein forms E680fs.
Identifiers: ClinVar variation 1498193 (VCV001498193.8), dbSNP rs1420932797, ClinGen allele CA522356577.